The following is an entry in ClinVar:

ClinVar aggregate classification (germline): Uncertain significance (1 of 4 stars; one submission).

Conditions:
Hereditary cancer-predisposing syndrome. Also called: Neoplastic Syndromes, Hereditary; Tumor predisposition; Hereditary Cancer Syndrome; Hereditary neoplastic syndrome. Identifiers: Orphanet 140162, MedGen C0027672, MeSH D009386, MONDO:0015356.

Allele frequency attached by ClinVar (database versions not stated): gnomAD exomes below 0.00001.
gnomAD v4.1: 1 of 1,612,558 alleles (0.000062%); highest among the groups gnomAD compares: East Asian, 0.0022%; no homozygotes.

Submission:

Ambry Genetics
Classification: Uncertain significance for Hereditary cancer-predisposing syndrome. Last evaluated: 2024-02-27. Review status: criteria provided, single submitter. Criteria: Ambry Variant Classification Scheme 2023. Collection method: clinical testing. Allele origin: germline.
Comment: The p.D566E variant (also known as c.1698T>G), located in coding exon 18 of the RB1 gene, results from a T to G substitution at nucleotide position 1698. The aspartic acid at codon 566 is replaced by glutamic acid, an amino acid with highly similar properties. This amino acid position is well conserved in available vertebrate species. In addition, the in silico prediction for this alteration is inconclusive. Since supporting evidence is limited at this time, the clinical significance of this alteration remains unclear.

NM_000321.3(RB1):c.1698T>G (p.Asp566Glu)

Gene: RB1 (RB transcriptional corepressor 1; plus strand). Cytogenetic location: 13q14.2.
Variant type: single nucleotide variant.
Coding change: c.1698T>G on transcript NM_000321.3 (MANE Select); coding-DNA position 1698, T replaced by G.
Protein change: p.Asp566Glu; replaces aspartic acid 566 with glutamic acid.
Molecular consequence: missense variant.
Genome position (GRCh38, 1-based): chr13:48,452,995, T>G. VCF-style: chr13-48452995-T-G. GRCh37 (hg19) VCF-style: chr13-49027131-T-G.
Other names: c.1698T>G, p.Asp566Glu (NM_001407165.1); short protein forms D566E.
Identifiers: ClinVar variation 1778280 (VCV001778280.2), dbSNP rs1190813356, ClinGen allele CA388165427.
Genomic context (GRCh38, chr13:48,452,995, plus strand): 5'-TGTACCTGGGAAAATTATGCTTACTAATGTGGTTTTAATTTCATCATGTTTCATATAGGA[T>G]TCACCTTTATTTGATCTTATTAAACAATCAAAGGACCGAGAAGGACCAACTGATCACCTT-3'
Protein context (NP_000312.2, residues 556-576): RIMESLAWLS[Asp566Glu]SPLFDLIKQS